The following is an entry in ClinVar:

ClinVar aggregate classification (germline): Likely pathogenic (1 of 4 stars; one submission).

Conditions:
Mitochondrial disease. Also called: Mitochondrial disorders; Mitochondrial disorder. Identifiers: Orphanet 68380, MedGen C0751651, MeSH D028361, MONDO:0044970.

Submission:

Genomenon, Inc
Classification: Likely pathogenic for Mitochondrial disease. Last evaluated: 2025-11-24. Review status: criteria provided, single submitter. Criteria: Genomenon Sequence Variant Interpretation Standards - Updated. Collection method: curation. Allele origin: germline. Affected: yes.
Comment: TK2 p.Arg134Lys (c.401G>A) is a missense variant that changes the amino acid at residue 134 from Arginine to Lysine. This variant has been observed in a proband affected with mitochondrial disease in the compound heterozygous state (29735374). TK2 Arg134Lys is located in a mutational hot spot. This variant is not present at a significant frequency in gnomAD, and in silico models agree that this variant is possibly or probably damaging. In conclusion, we classify TK2 p.Arg134Lys (c.401G>A) as a likely pathogenic variant.

Literature cited by the submitters: PubMed 29735374; PubMed 38544965; PubMed 40089535; PubMed 12493767; PubMed 18446447.

NM_004614.5(TK2):c.401G>A (p.Arg134Lys)

Gene: TK2 (thymidine kinase 2; minus strand). Cytogenetic location: 16q21.
Variant type: single nucleotide variant.
Coding change: c.401G>A on transcript NM_004614.5 (MANE Select); coding-DNA position 401, G replaced by A.
Protein change: p.Arg134Lys; replaces arginine 134 with lysine.
Molecular consequence: missense variant. On other transcripts: non-coding transcript variant (1).
Genome position (GRCh38, 1-based): chr16:66,529,042, C>T on the plus strand (G>A on the coding strand, the complement: TK2 is on the minus strand). VCF-style: chr16-66529042-C-T. GRCh37 (hg19) VCF-style: chr16-66562945-C-T.
Other names: c.308G>A, p.Arg103Lys (NM_001172643.1, NM_001271935.1); c.326G>A, p.Arg109Lys (NM_001172644.2); c.347G>A, p.Arg116Lys (NM_001172645.2); c.254G>A, p.Arg85Lys (NM_001271934.2); c.110G>A, p.Arg37Lys (NM_001272050.2); short protein forms R103K, R109K, R116K, R134K, R37K, R85K.
Identifiers: ClinVar variation 3778857 (VCV003778857.2).